The following is an entry in ClinVar:

ClinVar aggregate classification (germline): Uncertain significance (1 of 4 stars; one submission).

Submission:

GeneDx
Classification: Uncertain significance. Last evaluated: 2016-08-10. Review status: criteria provided, single submitter. Criteria: GeneDx Variant Classification (06012015). Collection method: clinical testing. Allele origin: germline. Affected: yes.
Comment: This variant is denoted ATM c.5497-3T>G or IVS36-3T>G and consists of a T>G nucleotide substitution at the -3 position of intron 36 of the ATM gene. Multiple in silico models predict this variant to destroy the nearby natural splice acceptor site and to possibly cause abnormal gene splicing. However, in the absence of RNA or functional studies, the actual effect of this variant is unknown. This variant has not, to our knowledge, been published in the literature as pathogenic or benign. ATM c.5497-3T>G was not observed in approximately 6,500 individuals of European and African American ancestry in the NHLBI Exome Sequencing Project, suggesting it is not a common benign variant in these populations. The thymine (T) nucleotide that is altered is conserved across species. Based on currently available evidence, it is unclear whether ATM c.5497-3T>G is a pathogenic or benign variant. We consider it to be a variant of uncertain significance.

NM_000051.4(ATM):c.5497-3T>G

Gene: ATM (ATM serine/threonine kinase; plus strand). Cytogenetic location: 11q22.3.
Variant type: single nucleotide variant.
Coding change: c.5497-3T>G on transcript NM_000051.4 (MANE Select); 3 bases into the intron before coding-DNA position 5497, T replaced by G.
Molecular consequence: intron variant.
Genome position (GRCh38, 1-based): chr11:108,304,672, T>G. VCF-style: chr11-108304672-T-G. GRCh37 (hg19) VCF-style: chr11-108175399-T-G.
Other names: c.5497-3T>G (NM_001351834.2).
Identifiers: ClinVar variation 421985 (VCV000421985.2), dbSNP rs1064795486, ClinGen allele CA16619199.
Genomic context (GRCh38, chr11:108,304,672, plus strand): 5'-AAAATGTATTAATTTTACTCATTTTTACTCAAACTATTGGGTGGATTTGTTTGTATATTC[T>G]AGGTGAAAACTGACTTTTGTCAGACTGTACTTCCATACTTGATTCATGATATTTTACTCC-3'